The following is an entry in ClinVar:

NM_000435.3(NOTCH3):c.6753C>T (p.Ser2251=)

Gene: NOTCH3 (notch receptor 3; minus strand). Cytogenetic location: 19p13.12.
Variant type: single nucleotide variant.
Coding change: c.6753C>T on transcript NM_000435.3 (MANE Select); coding-DNA position 6753, C replaced by T.
Protein change: p.Ser2251=; no amino-acid change (serine 2251 retained).
Molecular consequence: synonymous variant.
Genome position (GRCh38, 1-based): chr19:15,160,875, G>A on the plus strand (C>T on the coding strand, the complement: NOTCH3 is on the minus strand). VCF-style: chr19-15160875-G-A. GRCh37 (hg19) VCF-style: chr19-15271686-G-A.
Other names: p.Ser2251=.
Identifiers: ClinVar variation 256153 (VCV000256153.35), dbSNP rs61731975, ClinGen allele CA9262309.

ClinVar aggregate classification (germline): Benign/Likely benign. Review status: criteria provided, multiple submitters, no conflicts (2 of 4 stars). 9 submissions from 9 submitters: Benign (8); Likely benign (1). Last evaluated 2026-01-27.

Conditions:
Cerebral arteriopathy, autosomal dominant, with subcortical infarcts and leukoencephalopathy, type 1 (CADASIL1). Also called: CASIL; Cerebral arteriopathy with subcortical infarcts and leukoencephalopathy 1; DEMENTIA, HEREDITARY MULTIINFARCT TYPE; CADASIL 1. Identifiers: Orphanet 136, MedGen C4551768, MONDO:0000914, OMIM 125310.

Allele frequency attached by ClinVar (database versions not stated): gnomAD exomes 0.00246 and 0.00641; ExAC 0.00807; 1000 Genomes Project 0.02416; gnomAD 0.02506 and 0.02703; 1000 Genomes Project 30x 0.02577; ESP Exome Variant Server 0.02634; TOPMed 0.02891.
gnomAD v4.1: 7,561 of 1,613,580 alleles (0.47%); highest among the groups gnomAD compares: African/African-American, 8.9%; 300 homozygotes.

Submissions (9):

Labcorp Genetics (formerly Invitae), Labcorp
Classification: Benign. Last evaluated: 2026-01-27. Review status: criteria provided, single submitter. Criteria: Invitae Variant Classification Sherloc (09022015). Collection method: clinical testing. Allele origin: germline.

ARUP Laboratories, Molecular Genetics and Genomics, ARUP Laboratories
Classification: Benign. Last evaluated: 2025-07-15. Review status: criteria provided, single submitter. Criteria: ARUP Molecular Germline Variant Investigation Process 2024. Collection method: clinical testing. Allele origin: germline.

Athena Diagnostics
Classification: Benign. Last evaluated: 2025-07-09. Review status: criteria provided, single submitter. Criteria: Athena Diagnostics Criteria. Collection method: clinical testing. Allele origin: unknown.
Comment: The frequency of this variant in the general population is higher than would generally be expected for pathogenic variants in this gene.

Blueprint Genetics
Classification: Likely benign. Last evaluated: 2024-11-28. Review status: criteria provided, single submitter. Criteria: ACMG Guidelines, 2015. Collection method: clinical testing. Allele origin: germline.

Mayo Clinic Laboratories, Mayo Clinic
Classification: Benign. Last evaluated: 2023-11-08. Review status: criteria provided, single submitter. Criteria: ACMG Guidelines, 2015. Collection method: clinical testing. Allele origin: germline. Observed: 97 variant alleles.

GeneDx
Classification: Benign. Last evaluated: 2021-05-05. Review status: criteria provided, single submitter. Criteria: GeneDx Variant Classification Process June 2021. Collection method: clinical testing. Allele origin: germline. Affected: yes.

Illumina Laboratory Services, Illumina
Classification: Benign for Cerebral arteriopathy, autosomal dominant, with subcortical infarcts and leukoencephalopathy, type 1. Last evaluated: 2018-01-13. Review status: criteria provided, single submitter. Criteria: ICSL Variant Classification Criteria 13 December 2019. Collection method: clinical testing. Allele origin: germline.
Comment: This variant was observed in the ICSL laboratory as part of a predisposition screen in an ostensibly healthy population. It had not been previously curated by ICSL or reported in the Human Gene Mutation Database (HGMD: prior to June 1st, 2018), and was therefore a candidate for classification through an automated scoring system. Utilizing variant allele frequency, disease prevalence and penetrance estimates, and inheritance mode, an automated score was calculated to assess if this variant is too frequent to cause the disease. Based on the score and internal cut-off values, a variant classified as benign is not then subjected to further curation. The score for this variant resulted in a classification of benign for this disease.

Breakthrough Genomics
Classification: Benign. Review status: criteria provided, single submitter. Criteria: ACMG Guidelines, 2015. Collection method: not provided. Allele origin: germline. Inheritance: Autosomal dominant inheritance. Affected: yes.

PreventionGenetics, part of Exact Sciences
Classification: Benign. Review status: criteria provided, single submitter. Criteria: ACMG Guidelines, 2015. Collection method: clinical testing. Allele origin: germline.

Literature cited by the submitters: PubMed 24086431 (cited by Athena Diagnostics).